The following is an entry in ClinVar:

ClinVar aggregate classification (germline): Likely pathogenic (1 of 4 stars; one submission).

Conditions:
X-linked severe combined immunodeficiency (SCIDX1). Also called: X-Linked Combined Immunodeficiency Diseases; IMMUNODEFICIENCY 4; SCID, X-LINKED; SEVERE COMBINED IMMUNODEFICIENCY, X-LINKED, T CELL-NEGATIVE, B CELL-POSITIVE, NK CELL-NEGATIVE; T-B+ severe combined immunodeficiency due to gamma chain deficiency. Identifiers: Orphanet 276, MedGen C6022468, MONDO:0010315, OMIM 300400. Disease mechanism: loss of function.

Submission:

Labcorp Genetics (formerly Invitae), Labcorp
Classification: Likely pathogenic for X-linked severe combined immunodeficiency. Last evaluated: 2022-07-01. Review status: criteria provided, single submitter. Criteria: Invitae Variant Classification Sherloc (09022015). Collection method: clinical testing. Allele origin: germline.
Comment: In summary, the currently available evidence indicates that the variant is pathogenic, but additional data are needed to prove that conclusively. Therefore, this variant has been classified as Likely Pathogenic. Advanced modeling of protein sequence and biophysical properties (such as structural, functional, and spatial information, amino acid conservation, physicochemical variation, residue mobility, and thermodynamic stability) performed at Invitae indicates that this missense variant is expected to disrupt IL2RG protein function. This missense change has been observed in individuals with primary immunodeficiency and/or severe combined immunodeficiency (PMID: 10794430, 32888943; Invitae). This variant is not present in population databases (gnomAD no frequency). This sequence change replaces leucine, which is neutral and non-polar, with proline, which is neutral and non-polar, at codon 146 of the IL2RG protein (p.Leu146Pro).

Literature cited by the submitters: PubMed 10794430; PubMed 32888943.

NM_000206.3(IL2RG):c.437T>C (p.Leu146Pro)

Gene: IL2RG (interleukin 2 receptor subunit gamma; minus strand). Cytogenetic location: Xq13.1.
Variant type: single nucleotide variant.
Coding change: c.437T>C on transcript NM_000206.3 (MANE Select); coding-DNA position 437, T replaced by C.
Protein change: p.Leu146Pro; replaces leucine 146 with proline.
Molecular consequence: missense variant.
Genome position (GRCh38, 1-based): chrX:71,110,521, A>G on the plus strand (T>C on the coding strand, the complement: IL2RG is on the minus strand). VCF-style: chrX-71110521-A-G. GRCh37 (hg19) VCF-style: chrX-70330371-A-G.
Other names: short protein forms L146P.
Identifiers: ClinVar variation 2138602 (VCV002138602.4), dbSNP rs2519647063, ClinGen allele CA413496558.